The following is an entry in ClinVar:

ClinVar aggregate classification (germline): Benign/Likely benign. Review status: criteria provided, multiple submitters, no conflicts (2 of 4 stars). 6 submissions from 6 submitters: Benign (4); Likely benign (2). Last evaluated 2026-02-01.

Conditions:
Congenital insensitivity to pain-hypohidrosis syndrome. Also called: HSAN VIII; Neuropathy, hereditary sensory and autonomic, type VIII. Identifiers: Orphanet 478664, MedGen C4225308, MONDO:0014662, OMIM 616488.
PRDM12-related disorder. Also called: PRDM12-related condition.

Submissions (6):

Labcorp Genetics (formerly Invitae), Labcorp
Classification: Benign for Congenital insensitivity to pain-hypohidrosis syndrome. Last evaluated: 2026-02-01. Review status: criteria provided, single submitter. Criteria: Invitae Variant Classification Sherloc (09022015). Collection method: clinical testing. Allele origin: germline.

CeGaT Center for Human Genetics Tuebingen
Classification: Benign. Last evaluated: 2025-06-01. Review status: criteria provided, single submitter. Criteria: CeGaT Center For Human Genetics Tuebingen Variant Classification Criteria Version 2. Collection method: clinical testing. Allele origin: germline. Affected: yes. Observed: 22 variant alleles.
Comment: PRDM12: BS1, BS2

PreventionGenetics, part of Exact Sciences
Classification: Benign for PRDM12-related condition. Last evaluated: 2025-02-21. Review status: criteria provided, single submitter. Criteria: ACMG Guidelines, 2015. Collection method: clinical testing. Allele origin: germline.
Comment: This variant is classified as benign based on ACMG/AMP sequence variant interpretation guidelines (Richards et al. 2015 PMID: 25741868, with internal and published modifications).

Blueprint Genetics
Classification: Likely benign. Last evaluated: 2024-11-27. Review status: criteria provided, single submitter. Criteria: ACMG Guidelines, 2015. Collection method: clinical testing. Allele origin: germline.

Mayo Clinic Laboratories, Mayo Clinic
Classification: Benign. Last evaluated: 2023-07-17. Review status: criteria provided, single submitter. Criteria: ACMG Guidelines, 2015. Collection method: clinical testing. Allele origin: germline. Observed: 14 variant alleles.
Comment: BA1

GeneDx
Classification: Likely benign. Last evaluated: 2019-11-02. Review status: criteria provided, single submitter. Criteria: GeneDx Variant Classification Process June 2021. Collection method: clinical testing. Allele origin: germline. Affected: yes.

NM_021619.3(PRDM12):c.1041CGC[6] (p.Ala354_Ala359del)

Gene: PRDM12 (PR/SET domain 12; plus strand). Cytogenetic location: 9q34.12.
Variant type: Microsatellite.
Coding change: c.1041CGC[6] on transcript NM_021619.3 (MANE Select); six copies in a row of the 3-base unit CGC starting at c.1041; the reference has 12 copies in a row; six copies, 18 bases deleted; also written c.1059_1076del.
Protein change: p.Ala354_Ala359del.
Molecular consequence: inframe deletion.
Genome position (GRCh38, 1-based): chr9:130,681,624-130,681,641, CGCCGCCGCCGCCGCCGC deleted; deleting any 18 consecutive bases within chr9:130,681,606-130,681,641 gives the same sequence; the position shown is the placement nearest the transcript's 3' end. VCF-style (leftmost placement, unchanged base first): chr9-130681605-TCGCCGCCGCCGCCGCCGC-T. GRCh37 (hg19) VCF-style: chr9-133556992-TCGCCGCCGCCGCCGCCGC-T.
Other names: p.Ala354_Ala359del; c.1059_1076del18 (NM_021619.2); c.1059_1076del (NM_021619.2, NM_021619.3); c.1041_1058delCGCCGCCGCCGCCGCCGC (NM_021619.2).
Identifiers: ClinVar variation 475807 (VCV000475807.43), dbSNP rs752427775, ClinGen allele CA467495893.